The following is an entry in ClinVar:

NM_174936.4(PCSK9):c.657+9G>A

Gene: PCSK9 (proprotein convertase subtilisin/kexin type 9; plus strand). Cytogenetic location: 1p32.3.
Variant type: single nucleotide variant.
Coding change: c.657+9G>A on transcript NM_174936.4 (MANE Select); 9 bases into the intron after coding-DNA position 657, G replaced by A.
Molecular consequence: intron variant.
Genome position (GRCh38, 1-based): chr1:55,052,420, G>A. VCF-style: chr1-55052420-G-A. GRCh37 (hg19) VCF-style: chr1-55518093-G-A.
Other names: p.?.
Identifiers: ClinVar variation 262906 (VCV000262906.33), dbSNP rs11800243, ClinGen allele CA043751.
Genomic context (GRCh38, chr1:55,052,420, plus strand): 5'-CACCGACTTCGAGAATGTGCCCGAGGAGGACGGGACCCGCTTCCACAGACAGGTAAGCAC[G>A]GCCGTCTGATGGGAGGGCTGCCTCTGCCCATATCCCCATCCTGGAGGTGGGTGGGGACTG-3'

ClinVar aggregate classification (germline): Conflicting classifications of pathogenicity. Review status: criteria provided, conflicting classifications (1 of 4 stars). 19 submissions from 17 submitters: Uncertain significance (1); Benign (11); Likely benign (3). 4 of the submissions do not count toward it. Last evaluated 2026-02-03.

Conditions:
Cardiovascular phenotype. Identifiers: MedGen CN230736.
Familial hypercholesterolemia. Also called: Familial hypercholesterolemias; Familial hypercholesterolaemia. Identifiers: MedGen C0020445, MONDO:0005439.
Hypobetalipoproteinemia. Identifiers: Orphanet 31154, MedGen C0020597, MONDO:0017774.
Hypercholesterolemia, familial, 1. Also called: HYPERCHOLESTEROLEMIA, FAMILIAL, MODIFIER OF; LDL RECEPTOR DISORDER; Hyperlipoproteinemia Type IIa; HYPER-LOW-DENSITY-LIPOPROTEINEMIA; HYPERCHOLESTEROLEMIC XANTHOMATOSIS, FAMILIAL; Fredrickson type IIa hyperlipoproteinemia. Identifiers: Orphanet 391665, MedGen C0745103, MONDO:0007750, OMIM 143890.
Hypercholesterolemia, autosomal dominant, 3 (FHCL3). Also called: Familial Hypercholesterolemia, Autosomal Dominant, 3; Familial hypercholesterolemia 3; PCSK9-Related Familial Hypercholesterolemia, Autosomal Dominant. Identifiers: MedGen C1863551, MONDO:0011369, OMIM 603776.

Allele frequency attached by ClinVar (database versions not stated): 1000 Genomes Project 0.03914; gnomAD 0.03991 and 0.04011; 1000 Genomes Project 30x 0.04013; gnomAD exomes 0.04188 and 0.04255; ExAC 0.04240; TOPMed 0.04278; ESP Exome Variant Server 0.04575.
gnomAD v4.1: 68,599 of 1,613,596 alleles (4.3%); highest among the groups gnomAD compares: Middle Eastern, 13%; 1,669 homozygotes.

Submissions (19):

Labcorp Genetics (formerly Invitae), Labcorp
Classification: Benign for Hypercholesterolemia, autosomal dominant, 3. Last evaluated: 2026-02-03. Review status: criteria provided, single submitter. Criteria: Invitae Variant Classification Sherloc (09022015). Collection method: clinical testing. Allele origin: germline.

Dasa
Classification: Benign. Last evaluated: 2025-12-02. Review status: criteria provided, single submitter. Criteria: DASA Assertion Criteria. Collection method: clinical testing. Allele origin: germline.
Comment: NM_174936.4(PCSK9):c.657+9G>A is a splice-region variant. Population frequency is inconsistent with a disease-causing role for this variant, and observations in unaffected individuals support a benign interpretation. Computational prediction algorithms are consistent with a benign effect. Therefore, based on the currently available evidence, this variant is classified as benign.

Genomic Medicine Center of Excellence, King Faisal Specialist Hospital and Research Centre
Classification: Benign for Hypercholesterolemia, autosomal dominant, 3. Last evaluated: 2025-09-10. Review status: criteria provided, single submitter. Criteria: ACMG Guidelines, 2015. Collection method: clinical testing. Allele origin: germline.

Genomic Medicine Center of Excellence, King Faisal Specialist Hospital and Research Centre
Classification: Likely benign for Hypercholesterolemia, familial, 1. Last evaluated: 2025-07-30. Review status: criteria provided, single submitter. Criteria: ACMG Guidelines, 2015. Collection method: clinical testing. Allele origin: germline.

Molecular Diagnostic Laboratory for Inherited Cardiovascular Disease, Montreal Heart Institute
Classification: Likely benign. Last evaluated: 2025-04-09. Review status: criteria provided, single submitter. Criteria: ACMG Guidelines, 2015. Collection method: clinical testing. Allele origin: germline. Affected: no.

Blueprint Genetics
Classification: Likely benign. Last evaluated: 2024-11-26. Review status: criteria provided, single submitter. Criteria: ACMG Guidelines, 2015. Collection method: clinical testing. Allele origin: germline.

GENinCode PLC
Classification: Benign for Familial hypercholesterolemia. Last evaluated: 2022-07-01. Review status: criteria provided, single submitter. Criteria: ACMG Guidelines, 2015. Collection method: clinical testing. Allele origin: germline.

Mayo Clinic Laboratories, Mayo Clinic
Classification: Benign. Last evaluated: 2018-08-14. Review status: criteria provided, single submitter. Criteria: ACMG Guidelines, 2015. Collection method: clinical testing. Allele origin: germline. Observed: 103 variant alleles.

Illumina Laboratory Services, Illumina
Classification: Benign for Hypercholesterolemia, autosomal dominant, 3. Last evaluated: 2018-01-12. Review status: criteria provided, single submitter. Criteria: ICSL Variant Classification Criteria 13 December 2019. Collection method: clinical testing. Allele origin: germline.
Comment: This variant was observed in the ICSL laboratory as part of a predisposition screen in an ostensibly healthy population. It had not been previously curated by ICSL or reported in the Human Gene Mutation Database (HGMD: prior to June 1st, 2018), and was therefore a candidate for classification through an automated scoring system. Utilizing variant allele frequency, disease prevalence and penetrance estimates, and inheritance mode, an automated score was calculated to assess if this variant is too frequent to cause the disease. Based on the score and internal cut-off values, a variant classified as benign is not then subjected to further curation. The score for this variant resulted in a classification of benign for this disease.

Illumina Laboratory Services, Illumina
Classification: Benign for Hypobetalipoproteinemia. Last evaluated: 2018-01-12. Review status: criteria provided, single submitter. Criteria: ICSL Variant Classification Criteria 13 December 2019. Collection method: clinical testing. Allele origin: germline.
Comment: the same text as in the submission from Illumina Laboratory Services, Illumina above.

Color Diagnostics, LLC DBA Color Health
Classification: Benign for Familial hypercholesterolemia. Last evaluated: 2017-06-22. Review status: criteria provided, single submitter. Criteria: ACMG Guidelines, 2015. Collection method: clinical testing. Allele origin: germline.

GeneDx
Classification: Benign. Last evaluated: 2017-02-14. Review status: criteria provided, single submitter. Criteria: GeneDx Variant Classification (06012015). Collection method: clinical testing. Allele origin: germline. Affected: yes.
Comment: This variant is considered likely benign or benign based on one or more of the following criteria: it is a conservative change, it occurs at a poorly conserved position in the protein, it is predicted to be benign by multiple in silico algorithms, and/or has population frequency not consistent with disease.

Cardiovascular Research Group, Instituto Nacional de Saude Doutor Ricardo Jorge
Classification: Uncertain significance for Familial hypercholesterolemia. Last evaluated: 2016-03-01. Review status: criteria provided, single submitter. Criteria: ACMG Guidelines, 2015. Collection method: research. Allele origin: germline. Affected: yes.

Ambry Genetics
Classification: Benign for Cardiovascular phenotype. Last evaluated: 2014-06-08. Review status: criteria provided, single submitter. Criteria: Ambry Variant Classification Scheme 2023. Collection method: clinical testing. Allele origin: germline.

PreventionGenetics, part of Exact Sciences
Classification: Benign. Review status: criteria provided, single submitter. Criteria: ACMG Guidelines, 2015. Collection method: clinical testing. Allele origin: germline.

Cohesion Phenomics
Classification: Benign for Familial hypercholesterolemia. Last evaluated: 2023-02-09. Review status: no assertion criteria provided. Criteria: ACMG Guidelines, 2015. Collection method: clinical testing. Allele origin: germline. Affected: yes. Not counted in ClinVar's aggregate classification.

Clinical Genetics, Academic Medical Center
Classification: Benign. Review status: no assertion criteria provided. Collection method: clinical testing. Allele origin: germline. Affected: yes. Study: VKGL Data-share Consensus. Not counted in ClinVar's aggregate classification.

Diagnostic Laboratory, Department of Genetics, University Medical Center Groningen
Classification: Benign for Hypercholesterolemia, autosomal dominant, 3. Review status: no assertion criteria provided. Collection method: clinical testing. Allele origin: germline. Affected: yes. Study: VKGL Data-share Consensus. Not counted in ClinVar's aggregate classification.

Laboratorium voor Moleculaire Diagnostiek Experimentele Vasculaire Geneeskunde, Academisch Medisch Centrum
Classification: Benign for Familial hypercholesterolemia. Review status: no assertion criteria provided. Collection method: research. Allele origin: germline. Not counted in ClinVar's aggregate classification.